The following is an entry in ClinVar:

ClinVar aggregate classification (germline): Benign/Likely benign. Review status: criteria provided, multiple submitters, no conflicts (2 of 4 stars). 3 submissions from 3 submitters: Benign (1); Likely benign (2). Last evaluated 2025-11-17.

Conditions:
Renal cell carcinoma. Identifiers: Orphanet 217071, MedGen C0007134, MeSH D002292, MONDO:0005086, HP:0005584.
Hereditary cancer-predisposing syndrome. Also called: Neoplastic Syndromes, Hereditary; Hereditary Cancer Syndrome; Hereditary neoplastic syndrome; Tumor predisposition. Identifiers: Orphanet 140162, MedGen C0027672, MeSH D009386, MONDO:0015356.
Papillary renal cell carcinoma type 1 (RCCP1). Also called: RENAL CELL CARCINOMA, PAPILLARY, 1, SOMATIC; Renal adenocarcinoma; Renal cell carcinoma 1; Renal cell carcinoma, somatic. Identifiers: Orphanet 47044, MedGen C1336839, OMIM 605074, HP:0011797.

Allele frequency attached by ClinVar (database versions not stated): gnomAD 0.00001; gnomAD exomes below 0.00001; TOPMed 0.00001.
gnomAD v4.1: 3 of 1,613,862 alleles (0.00019%); highest among the groups gnomAD compares: Non-Finnish European, 0.00025%; no homozygotes.

Submissions (3):

Labcorp Genetics (formerly Invitae), Labcorp
Classification: Likely benign for Renal cell carcinoma. Last evaluated: 2025-11-17. Review status: criteria provided, single submitter. Criteria: Invitae Variant Classification Sherloc (09022015). Collection method: clinical testing. Allele origin: germline.

Myriad Genetics, Inc.
Classification: Benign for Papillary renal cell carcinoma type 1. Last evaluated: 2024-11-06. Review status: criteria provided, single submitter. Criteria: Myriad Autosomal Dominant, Autosomal Recessive and X-Linked Classification Criteria (2023). Collection method: clinical testing. Allele origin: unknown.
Comment: This variant is considered benign. This variant is a silent/synonymous amino acid change and it is not expected to impact splicing.

Ambry Genetics
Classification: Likely benign for Hereditary cancer-predisposing syndrome. Last evaluated: 2020-02-03. Review status: criteria provided, single submitter. Criteria: Ambry Variant Classification Scheme 2023. Collection method: clinical testing. Allele origin: germline.

NM_000245.4(MET):c.543A>C (p.Gly181=)

Gene: MET (MET proto-oncogene, receptor tyrosine kinase; plus strand). Cytogenetic location: 7q31.2.
Variant type: single nucleotide variant.
Coding change: c.543A>C on transcript NM_000245.4 (MANE Select); coding-DNA position 543, A replaced by C.
Protein change: p.Gly181=; no amino-acid change (glycine 181 retained).
Molecular consequence: synonymous variant. On other transcripts: intron variant (1).
Genome position (GRCh38, 1-based): chr7:116,699,627, A>C. VCF-style: chr7-116699627-A-C. GRCh37 (hg19) VCF-style: chr7-116339681-A-C.
Other names: c.543A>C, p.Gly181= (NM_001127500.3, NM_001324401.3); c.-91+27050A>C (NM_001324402.2).
Identifiers: ClinVar variation 1119035 (VCV001119035.12), dbSNP rs1316581869, ClinGen allele CA457447754.